The following is an entry in ClinVar:

ClinVar aggregate classification (germline): Benign (0 of 4 stars; one submission).

Conditions:
ZNF804A-related disorder. Also called: ZNF804A-related condition.

Allele frequency attached by ClinVar (database versions not stated): ESP Exome Variant Server 0.43029; TOPMed 0.46540; gnomAD 0.47278; 1000 Genomes Project 30x 0.48048; 1000 Genomes Project 0.49022; ExAC 0.57757; gnomAD exomes 0.58247.
gnomAD v4.1: 921,066 of 1,612,128 alleles (57%); highest among the groups gnomAD compares: East Asian, 84%; 274,003 homozygotes.

Submission:

PreventionGenetics, part of Exact Sciences
Classification: Benign for ZNF804A-related condition. Last evaluated: 2019-10-17. Review status: no assertion criteria provided. Collection method: clinical testing. Allele origin: germline.
Comment: This variant is classified as benign based on ACMG/AMP sequence variant interpretation guidelines (Richards et al. 2015 PMID: 25741868, with internal and published modifications).

NM_194250.2(ZNF804A):c.1624G>A (p.Glu542Lys)

Gene: ZNF804A (zinc finger protein 804A; plus strand). Cytogenetic location: 2q32.1.
Variant type: single nucleotide variant.
Coding change: c.1624G>A on transcript NM_194250.2 (MANE Select); coding-DNA position 1624, G replaced by A.
Protein change: p.Glu542Lys; replaces glutamic acid 542 with lysine.
Molecular consequence: missense variant.
Genome position (GRCh38, 1-based): chr2:184,937,020, G>A. VCF-style: chr2-184937020-G-A. GRCh37 (hg19) VCF-style: chr2-185801747-G-A.
Other names: short protein forms E542K.
Identifiers: ClinVar variation 3059275 (VCV003059275.2), dbSNP rs4667001, ClinGen allele CA2015994.